The following is an entry in ClinVar:

ClinVar aggregate classification (germline): Uncertain significance (1 of 4 stars; one submission).

Conditions:
Glycogen storage disease, type II (IOPD). Also called: Glucosidase acid-1,4-alpha deficiency; Pompe Disease; Glycogen storage disease type 2; Acid maltase deficiency disease; Aglucosidase alfa; Deficiency of alpha-glucosidase. Identifiers: Orphanet 365, MedGen C0017921, MONDO:0009290, OMIM 232300.

Submission:

Labcorp Genetics (formerly Invitae), Labcorp
Classification: Uncertain significance for Glycogen storage disease, type II. Last evaluated: 2022-02-28. Review status: criteria provided, single submitter. Criteria: Invitae Variant Classification Sherloc (09022015). Collection method: clinical testing. Allele origin: germline.
Comment: This sequence change replaces glutamic acid, which is acidic and polar, with glycine, which is neutral and non-polar, at codon 895 of the GAA protein (p.Glu895Gly). This variant is not present in population databases (gnomAD no frequency). This variant has not been reported in the literature in individuals affected with GAA-related conditions. Algorithms developed to predict the effect of missense changes on protein structure and function (SIFT, PolyPhen-2, Align-GVGD) all suggest that this variant is likely to be tolerated. In summary, the available evidence is currently insufficient to determine the role of this variant in disease. Therefore, it has been classified as a Variant of Uncertain Significance.

NM_000152.5(GAA):c.2684A>G (p.Glu895Gly)

Gene: GAA (alpha glucosidase; plus strand). Cytogenetic location: 17q25.3.
Variant type: single nucleotide variant.
Coding change: c.2684A>G on transcript NM_000152.5 (MANE Select); coding-DNA position 2684, A replaced by G.
Protein change: p.Glu895Gly; replaces glutamic acid 895 with glycine.
Molecular consequence: missense variant.
Genome position (GRCh38, 1-based): chr17:80,118,690, A>G. VCF-style: chr17-80118690-A-G. GRCh37 (hg19) VCF-style: chr17-78092489-A-G.
Other names: c.2684A>G, p.Glu895Gly (NM_001079803.3, NM_001079804.3, NM_001406741.1 and 1 more transcripts); short protein forms E895G.
Identifiers: ClinVar variation 2073396 (VCV002073396.1), dbSNP rs2510404218, ClinGen allele CA401326777.